The following is an entry in ClinVar:

NM_001369268.1(ACAN):c.1156C>T (p.Arg386Ter)

Gene: ACAN (aggrecan; plus strand). Cytogenetic location: 15q26.1.
Variant type: single nucleotide variant.
Coding change: c.1156C>T on transcript NM_001369268.1 (MANE Select); coding-DNA position 1156, C replaced by T.
Protein change: p.Arg386Ter; replaces arginine 386 with a stop codon.
Molecular consequence: nonsense.
Genome position (GRCh38, 1-based): chr15:88,845,609, C>T. VCF-style: chr15-88845609-C-T. GRCh37 (hg19) VCF-style: chr15-89388840-C-T.
Other names: c.1156C>T, p.Arg386Ter (NM_001135.4, NM_013227.4); short protein forms R386*.
Identifiers: ClinVar variation 499582 (VCV000499582.40), dbSNP rs773948197, ClinGen allele CA393709490.
Genomic context (GRCh38, chr15:88,845,609, plus strand): 5'-GGTGAGGAGGACATCACCGTCCAGACAGTGACCTGGCCTGACATGGAGCTGCCACTGCCT[C>T]GAAACATCACTGAGGGTGAAGCCCGAGGCAGCGTGATCCTTACCGTAAAGCCCATCTTCG-3'

ClinVar aggregate classification (germline): Pathogenic/Likely pathogenic. Review status: criteria provided, multiple submitters, no conflicts (2 of 4 stars). 4 submissions from 4 submitters: Pathogenic (1); Likely pathogenic (3). Last evaluated 2025-05-22.

Conditions:
ACAN-related disorder. Also called: ACAN-related disorders; ACAN-related condition.

Allele frequency attached by ClinVar (database versions not stated): gnomAD 0.00001.
gnomAD v4.1: 1 of 1,613,928 alleles (0.000062%); highest among the groups gnomAD compares: Admixed American, 0.0017%; no homozygotes.

Submissions (4):

Labcorp Genetics (formerly Invitae), Labcorp
Classification: Pathogenic. Last evaluated: 2025-05-22. Review status: criteria provided, single submitter. Criteria: Invitae Variant Classification Sherloc (09022015). Collection method: clinical testing. Allele origin: germline.
Comment: This sequence change creates a premature translational stop signal (p.Arg386*) in the ACAN gene. It is expected to result in an absent or disrupted protein product. Loss-of-function variants in ACAN are known to be pathogenic (PMID: 16080123, 24762113). This variant is not present in population databases (gnomAD no frequency). This variant has not been reported in the literature in individuals affected with ACAN-related conditions. ClinVar contains an entry for this variant (Variation ID: 499582). For these reasons, this variant has been classified as Pathogenic.

CeGaT Center for Human Genetics Tuebingen
Classification: Likely pathogenic. Last evaluated: 2022-09-01. Review status: criteria provided, single submitter. Criteria: CeGaT Center For Human Genetics Tuebingen Variant Classification Criteria Version 2. Collection method: clinical testing. Allele origin: germline. Affected: yes. Observed: 2 variant alleles.

Blueprint Genetics
Classification: Likely pathogenic for ACAN-related disorders. Last evaluated: 2021-08-06. Review status: criteria provided, single submitter. Criteria: ACMG Guidelines, 2015. Collection method: clinical testing. Allele origin: germline. Affected: yes. Observed: 1 variant allele.

Eurofins Ntd Llc (ga)
Classification: Likely pathogenic. Last evaluated: 2017-01-25. Review status: criteria provided, single submitter. Criteria: EGL Classification Definitions 2015. Collection method: clinical testing. Allele origin: germline. Observed: 1 variant allele, 1 heterozygote.

Literature cited by the submitters: PubMed 16080123 (cited by Labcorp Genetics (formerly Invitae), Labcorp); PubMed 24762113 (cited by Labcorp Genetics (formerly Invitae), Labcorp).